The following is an entry in ClinVar:

NM_002508.3(NID1):c.2577A>G (p.Ala859=)

Gene: NID1 (nidogen 1; minus strand). Cytogenetic location: 1q42.3.
Variant type: single nucleotide variant.
Coding change: c.2577A>G on transcript NM_002508.3 (MANE Select); coding-DNA position 2577, A replaced by G.
Protein change: p.Ala859=; no amino-acid change (alanine 859 retained).
Molecular consequence: synonymous variant.
Genome position (GRCh38, 1-based): chr1:235,993,823, T>C on the plus strand (A>G on the coding strand, the complement: NID1 is on the minus strand). VCF-style: chr1-235993823-T-C. GRCh37 (hg19) VCF-style: chr1-236157123-T-C.
Identifiers: ClinVar variation 712955 (VCV000712955.11), dbSNP rs17854360, ClinGen allele CA1468166.

ClinVar aggregate classification (germline): Benign. Review status: criteria provided, multiple submitters, no conflicts (2 of 4 stars). 2 submissions from 2 submitters: Benign (2). Last evaluated 2025-04-01.

Allele frequency attached by ClinVar (database versions not stated): 1000 Genomes Project 30x 0.00250; 1000 Genomes Project 0.00300; TOPMed 0.00694; ExAC 0.00811; gnomAD exomes 0.00838 and 0.01084; gnomAD 0.00842 and 0.00865; ESP Exome Variant Server 0.00961.
gnomAD v4.1: 17,004 of 1,614,120 alleles (1.1%); highest among the groups gnomAD compares: Non-Finnish European, 1.2%; 109 homozygotes.

Submissions (2):

CeGaT Center for Human Genetics Tuebingen
Classification: Benign. Last evaluated: 2025-04-01. Review status: criteria provided, single submitter. Criteria: CeGaT Center For Human Genetics Tuebingen Variant Classification Criteria Version 2. Collection method: clinical testing. Allele origin: germline. Affected: yes. Observed: 1 variant allele.
Comment: NID1: BP4, BP7, BS1, BS2

Labcorp Genetics (formerly Invitae), Labcorp
Classification: Benign. Last evaluated: 2019-12-31. Review status: criteria provided, single submitter. Criteria: Invitae Variant Classification Sherloc (09022015). Collection method: clinical testing. Allele origin: germline.